The following is an entry in ClinVar:

NM_001302371.3(NBPF10):c.9231T>G (p.Asp3077Glu)

Gene: NBPF10 (NBPF member 10; minus strand). Cytogenetic location: 1q21.1.
Variant type: single nucleotide variant.
Coding change: c.9231T>G on transcript NM_001302371.3 (MANE Select); coding-DNA position 9231, T replaced by G.
Protein change: p.Asp3077Glu; replaces aspartic acid 3077 with glutamic acid.
Molecular consequence: missense variant.
Genome position (GRCh38, 1-based): chr1:146,079,122, A>C on the plus strand (T>G on the coding strand, the complement: NBPF10 is on the minus strand). VCF-style: chr1-146079122-A-C. GRCh37 (hg19) VCF-style: chr1-145359072-T-G.
Other names: c.9231T>G, p.Asp3077Glu (NM_001039703.6); short protein forms D3077E.
Identifiers: ClinVar variation 2672345 (VCV002672345.23), dbSNP rs1553781235, ClinGen allele CA342181466.
Genomic context (GRCh38, chr1:146,079,122, plus strand): 5'-TCTGTAGGGCTGGCATGAGTCAGTCAGTTCAAGACAACCTGAAGGAGTTGAATAACATCT[A>C]TCCAGTGAGTCCTGCAAGACTTCAGGCCCTTTCTCATCCAGCAGCTCCCTGCTGAGCCTG-3'
Protein context (NP_001289300.1, residues 3067-3087): KGPEVLQDSL[Asp3077Glu]RCYSTPSGCL

ClinVar aggregate classification (germline): Likely benign (1 of 4 stars; one submission).

Submission:

CeGaT Center for Human Genetics Tuebingen
Classification: Likely benign. Last evaluated: 2026-01-01. Review status: criteria provided, single submitter. Criteria: CeGaT Center For Human Genetics Tuebingen Variant Classification Criteria Version 2. Collection method: clinical testing. Allele origin: germline. Affected: yes. Observed: 2 variant alleles.
Comment: NBPF10: BP4, BS2